The following is an entry in ClinVar:

NM_007294.4(BRCA1):c.1123del (p.Thr374_Leu375insTer)

Gene: BRCA1 (BRCA1 DNA repair associated; minus strand). Cytogenetic location: 17q21.31.
Variant type: Deletion.
Coding change: c.1123del on transcript NM_007294.4 (MANE Select); coding-DNA position 1123, one base deleted (C; older notation c.1123delC).
Protein change: p.Thr374_Leu375insTer.
Molecular consequence: nonsense. On other transcripts: intron variant (137).
Genome position (GRCh38, 1-based): chr17:43,094,408, G deleted on the plus strand (C on the coding strand, the reverse complement: BRCA1 is on the minus strand). VCF-style (leftmost placement, unchanged base first): chr17-43094407-AG-A. GRCh37 (hg19) VCF-style: chr17-41246424-AG-A.
Other names: c.1000del, p.Thr333_Leu334insTer (NM_001407669.1, NM_001407674.1, NM_001407675.1 and 19 more transcripts); c.997del, p.Thr332_Leu333insTer (NM_001407670.1, NM_001407671.1, NM_001407672.1 and 11 more transcripts); c.1123del, p.Thr374_Leu375insTer (NM_001407684.1, NM_001407854.1, NM_001407858.1 and 30 more transcripts); c.982del, p.Thr327_Leu328insTer (NM_001407692.1, NM_001407694.1, NM_001407695.1 and 29 more transcripts); c.979del, p.Thr326_Leu327insTer (NM_001407740.1, NM_001407741.1, NM_001407742.1 and 20 more transcripts); c.910del, p.Thr303_Leu304insTer (NM_001407853.1, NM_001407894.1, NM_001407895.1 and 9 more transcripts); c.1120del, p.Thr373_Leu374insTer (NM_001407860.1, NM_001407861.1, NM_001407587.1 and 22 more transcripts); c.922del, p.Thr307_Leu308insTer (NM_001407862.1); and 40 more.
Identifiers: ClinVar variation 254391 (VCV000254391.3), dbSNP rs886037987, ClinGen allele CA10586657.

ClinVar aggregate classification (germline): Pathogenic (3 of 4 stars; one submission).

Conditions:
Breast-ovarian cancer, familial, susceptibility to, 1 (BROVCA1). Also called: BRCA1 Hereditary Breast and Ovarian Cancer; OVARIAN CANCER, SUSCEPTIBILITY TO. Identifiers: Orphanet 145, MedGen C2676676, MONDO:0011450, OMIM 604370. Disease mechanism: loss of function.

Submission:

Evidence-based Network for the Interpretation of Germline Mutant Alleles (ENIGMA)
Classification: Pathogenic for Breast-ovarian cancer, familial, susceptibility to, 1. Last evaluated: 2016-09-08. Review status: reviewed by expert panel. Criteria: ENIGMA BRCA1/2 Classification Criteria (2015). Collection method: curation. Allele origin: germline.
Comment: Variant allele predicted to encode a truncated non-functional protein.